The following is an entry in ClinVar:

NM_015488.5(PNKD):c.515dup (p.His172fs)

Genes: CATIP-AS2 (CATIP antisense RNA 2; minus strand), PNKD (PNKD metallo-beta-lactamase domain containing; plus strand). Cytogenetic location: 2q35.
Variant type: Duplication.
Coding change: c.515dup on transcript NM_015488.5 (MANE Select); coding-DNA position 515, one base duplicated (A; older notation c.515dupA).
Protein change: p.His172fs; shifts the reading frame from histidine 172.
Molecular consequence: frameshift variant.
Genome position (GRCh38, 1-based): chr2:218,340,777, A duplicated. VCF-style (leftmost placement, unchanged base first): chr2-218340776-C-CA. GRCh37 (hg19) VCF-style: chr2-219205499-C-CA.
Other names: c.443dup, p.His148Glnfs (NM_022572.5); short protein forms H172fs, H148fs.
Identifiers: ClinVar variation 3673838 (VCV003673838.2).

ClinVar aggregate classification (germline): Uncertain significance (1 of 4 stars; one submission).

Conditions:
Paroxysmal nonkinesigenic dyskinesia. Also called: Paroxysmal non-kinesigenic dyskinesia. Identifiers: Orphanet 98810, MedGen C1869117, MONDO:0700088.

Submission:

Labcorp Genetics (formerly Invitae), Labcorp
Classification: Uncertain significance for Paroxysmal nonkinesigenic dyskinesia. Last evaluated: 2024-06-04. Review status: criteria provided, single submitter. Criteria: Invitae Variant Classification Sherloc (09022015). Collection method: clinical testing. Allele origin: germline.
Comment: This sequence change creates a premature translational stop signal (p.His172Glnfs*12) in the PNKD gene. It is expected to result in an absent or disrupted protein product. However, the current clinical and genetic evidence is not sufficient to establish whether loss-of-function variants in PNKD cause disease. This variant is not present in population databases (gnomAD no frequency). This variant has not been reported in the literature in individuals affected with PNKD-related conditions. In summary, the available evidence is currently insufficient to determine the role of this variant in disease. Therefore, it has been classified as a Variant of Uncertain Significance.